The following is an entry in ClinVar:

NM_006441.4(MTHFS):c.14C>T (p.Ala5Val)

Genes: MTHFS (methenyltetrahydrofolate synthetase; minus strand), ST20-MTHFS (ST20-MTHFS readthrough; minus strand). Cytogenetic location: 15q25.1.
Variant type: single nucleotide variant.
Coding change: c.14C>T on transcript NM_006441.4 (MANE Select); coding-DNA position 14, C replaced by T.
Protein change: p.Ala5Val; replaces alanine 5 with valine.
Molecular consequence: missense variant. On other transcripts: non-coding transcript variant (1), intron variant (2).
Genome position (GRCh38, 1-based): chr15:79,896,975, G>A on the plus strand (C>T on the coding strand, the complement: MTHFS is on the minus strand). VCF-style: chr15-79896975-G-A. GRCh37 (hg19) VCF-style: chr15-80189317-G-A.
Other names: c.46-7621C>T (NM_001199760.2); c.-55+186C>T (NM_001199758.1); short protein forms A5V.
Identifiers: ClinVar variation 2038995 (VCV002038995.6), dbSNP rs190625458, ClinGen allele CA7690391.

ClinVar aggregate classification (germline): Benign. Review status: criteria provided, single submitter (1 of 4 stars). 2 submissions from 2 submitters: Benign (1). 1 of the submissions does not count toward it. Last evaluated 2026-01-07.

Conditions:
MTHFS-related disorder. Also called: MTHFS-related condition.

Allele frequency attached by ClinVar (database versions not stated): 1000 Genomes Project 30x 0.00625; gnomAD exomes 0.00048; ExAC 0.00089; ESP Exome Variant Server 0.00406; 1000 Genomes Project 0.00499; gnomAD 0.00512; TOPMed 0.00597.
gnomAD v4.1: 1,485 of 1,530,180 alleles (0.097%); highest among the groups gnomAD compares: African/African-American, 1.9%; 17 homozygotes.

Submissions (2):

Labcorp Genetics (formerly Invitae), Labcorp
Classification: Benign. Last evaluated: 2026-01-07. Review status: criteria provided, single submitter. Criteria: Invitae Variant Classification Sherloc (09022015). Collection method: clinical testing. Allele origin: germline.

PreventionGenetics, part of Exact Sciences
Classification: Benign for MTHFS-related condition. Last evaluated: 2019-06-27. Review status: no assertion criteria provided. Collection method: clinical testing. Allele origin: germline. Not counted in ClinVar's aggregate classification.
Comment: This variant is classified as benign based on ACMG/AMP sequence variant interpretation guidelines (Richards et al. 2015 PMID: 25741868, with internal and published modifications).